The following is an entry in ClinVar:

ClinVar aggregate classification (germline): Uncertain significance (1 of 4 stars; one submission).

Conditions:
Hereditary spastic paraplegia 11. Also called: Spastic Paraplegia 11; SPASTIC PARAPLEGIA, AUTOSOMAL RECESSIVE, COMPLICATED, WITH THIN CORPUS CALLOSUM; SPASTIC PARAPLEGIA, AUTOSOMAL RECESSIVE, WITH MENTAL IMPAIRMENT AND THIN CORPUS CALLOSUM; Nakamura Osame syndrome; Autosomal recessive hereditary spastic paraplegia, mental impairment, and thin corpus callosum; Spastic paraplegia, mental retardation and thin corpus callosum. Identifiers: Orphanet 2822, MedGen C1858479, MONDO:0011445, OMIM 604360.

Submission:

Labcorp Genetics (formerly Invitae), Labcorp
Classification: Uncertain significance for Hereditary spastic paraplegia 11. Last evaluated: 2021-05-06. Review status: criteria provided, single submitter. Criteria: Invitae Variant Classification Sherloc (09022015). Collection method: clinical testing. Allele origin: germline.
Comment: This sequence change replaces leucine with serine at codon 1153 of the SPG11 protein (p.Leu1153Ser). The leucine residue is moderately conserved and there is a large physicochemical difference between leucine and serine. In summary, the available evidence is currently insufficient to determine the role of this variant in disease. Therefore, it has been classified as a Variant of Uncertain Significance. Algorithms developed to predict the effect of missense changes on protein structure and function are either unavailable or do not agree on the potential impact of this missense change (SIFT: "Deleterious"; PolyPhen-2: "Probably Damaging"; Align-GVGD: "Class C0"). This variant has been observed in combination with another SPG11 variant in individual(s) with clinical features of hereditary spastic paraplegia (Invitae). This variant is not present in population databases (ExAC no frequency).

NM_025137.4(SPG11):c.3458T>C (p.Leu1153Ser)

Gene: SPG11 (SPG11 vesicle trafficking associated, spatacsin; minus strand). Cytogenetic location: 15q21.1.
Variant type: single nucleotide variant.
Coding change: c.3458T>C on transcript NM_025137.4 (MANE Select); coding-DNA position 3458, T replaced by C.
Protein change: p.Leu1153Ser; replaces leucine 1153 with serine.
Molecular consequence: missense variant.
Genome position (GRCh38, 1-based): chr15:44,606,087, A>G on the plus strand (T>C on the coding strand, the complement: SPG11 is on the minus strand). VCF-style: chr15-44606087-A-G. GRCh37 (hg19) VCF-style: chr15-44898285-A-G.
Other names: c.3458T>C, p.Leu1153Ser (NM_001160227.2); short protein forms L1153S.
Identifiers: ClinVar variation 1003714 (VCV001003714.9), dbSNP rs2083311354, ClinGen allele CA392223948.